The following is an entry in ClinVar:

NM_001276270.2(MBD4):c.708dup (p.Ile237fs)

Gene: MBD4 (methyl-CpG binding domain 4, DNA glycosylase; minus strand). Cytogenetic location: 3q21.3.
Variant type: Duplication.
Coding change: c.708dup on transcript NM_001276270.2 (MANE Select); coding-DNA position 708, one base duplicated (T; older notation c.708dupT).
Protein change: p.Ile237fs; shifts the reading frame from isoleucine 237.
Molecular consequence: frameshift variant. On other transcripts: intron variant (1).
Genome position (GRCh38, 1-based): chr3:129,436,936, A duplicated on the plus strand (T on the coding strand, the reverse complement: MBD4 is on the minus strand). VCF-style (leftmost placement, unchanged base first): chr3-129436935-T-TA. GRCh37 (hg19) VCF-style: chr3-129155778-T-TA.
Other names: c.708dup, p.Ile237fs (NM_001276271.2, NM_001276272.2, NM_003925.3); c.247+872dup (NM_001276273.2); short protein forms I237fs.
Identifiers: ClinVar variation 4876086 (VCV004876086.1).

ClinVar aggregate classification (germline): Pathogenic (1 of 4 stars; one submission).

Conditions:
Tumor predisposition syndrome 2 (TPDS2). Also called: MBD4-ASSOCIATED NEOPLASIA SYNDROME; MBD4-Related Tumor Predisposition Syndrome; MBD4-associated neoplasia syndrome (MANS). Identifiers: Orphanet 661526, MedGen C5774186, MONDO:0859267, OMIM 619975.

Submission:

Myriad Genetics, Inc.
Classification: Pathogenic for Tumor predisposition syndrome 2. Last evaluated: 2026-06-09. Review status: criteria provided, single submitter. Criteria: Myriad Autosomal Dominant, Autosomal Recessive and X-Linked Classification Criteria (2023). Collection method: clinical testing. Allele origin: unknown.
Comment: This variant is considered pathogenic. This variant creates a frameshift predicted to result in premature protein truncation.